The following is an entry in ClinVar:

NM_138773.4(SLC25A46):c.106G>C (p.Gly36Arg)

Gene: SLC25A46 (solute carrier family 25 member 46; plus strand). Cytogenetic location: 5q22.1.
Variant type: single nucleotide variant.
Coding change: c.106G>C on transcript NM_138773.4 (MANE Select); coding-DNA position 106, G replaced by C.
Protein change: p.Gly36Arg; replaces glycine 36 with arginine.
Molecular consequence: missense variant. On other transcripts: non-coding transcript variant (1), intron variant (1).
Genome position (GRCh38, 1-based): chr5:110,739,225, G>C. VCF-style: chr5-110739225-G-C. GRCh37 (hg19) VCF-style: chr5-110074926-G-C.
Other names: c.106G>C, p.Gly36Arg (NM_001303249.3); c.10+978G>C (NM_001303250.3); short protein forms G36R.
Identifiers: ClinVar variation 2178130 (VCV002178130.4), dbSNP rs761259380, ClinGen allele CA3364472.
Genomic context (GRCh38, chr5:110,739,225, plus strand): 5'-GGTGGTGCCCGGGACGAGCAGGGCTTTGGCGGCGCCTTCCCTGCAAGGTCCTTCAGCACC[G>C]GGTCGGACCTGGGCCACTGGGTGACGACTCCCCCAGATATCCCCGGCAGCCGCAACCTGC-3'
Protein context (NP_620128.1, residues 26-46): GAFPARSFST[Gly36Arg]SDLGHWVTTP

ClinVar aggregate classification (germline): Uncertain significance (1 of 4 stars; one submission).

Conditions:
Neuropathy, hereditary motor and sensory, type 6B (HMSN6B). Also called: NEUROPATHY, HEREDITARY MOTOR AND SENSORY, TYPE VIB, WITH OPTIC ATROPHY; HMSN VIB; CHARCOT-MARIE-TOOTH DISEASE, TYPE 6B; Neuropathy, hereditary motor and sensory, type VIB. Identifiers: MedGen C4225302, MONDO:0014671, OMIM 616505.

gnomAD v4.1: 25 of 1,576,254 alleles (0.0016%); highest among the groups gnomAD compares: South Asian, 0.029%; no homozygotes.

Submission:

Labcorp Genetics (formerly Invitae), Labcorp
Classification: Uncertain significance for Neuropathy, hereditary motor and sensory, type 6B. Last evaluated: 2022-09-24. Review status: criteria provided, single submitter. Criteria: Invitae Variant Classification Sherloc (09022015). Collection method: clinical testing. Allele origin: germline.
Comment: This sequence change replaces glycine, which is neutral and non-polar, with arginine, which is basic and polar, at codon 36 of the SLC25A46 protein (p.Gly36Arg). This variant is present in population databases (rs761259380, gnomAD 0.02%). This missense change has been observed in individual(s) with distal hereditary motor neuropathy (PMID: 33369814). Algorithms developed to predict the effect of missense changes on protein structure and function (SIFT, PolyPhen-2, Align-GVGD) all suggest that this variant is likely to be tolerated. In summary, the available evidence is currently insufficient to determine the role of this variant in disease. Therefore, it has been classified as a Variant of Uncertain Significance.

Literature cited by the submitters: PubMed 33369814.